The following is an entry in ClinVar:

NM_001378969.1(KCND3):c.1372-112dup

Gene: KCND3 (potassium voltage-gated channel subfamily D member 3; minus strand). Cytogenetic location: 1p13.2.
Variant type: Duplication.
Coding change: c.1372-112dup on transcript NM_001378969.1 (MANE Select); 112 bases into the intron before coding-DNA position 1372, one base duplicated (A; older notation c.1372-112dupA).
Molecular consequence: intron variant.
Genome position (GRCh38, 1-based): chr1:111,780,418, T duplicated on the plus strand (A on the coding strand, the reverse complement: KCND3 is on the minus strand); the first of 9 consecutive T bases (chr1:111,780,418-111,780,426); duplicating any one gives the same sequence. VCF-style (leftmost placement, unchanged base first): chr1-111780417-A-AT. GRCh37 (hg19) VCF-style: chr1-112323039-A-AT.
Other names: c.1372-112dup (NM_001378970.1, NM_172198.3, NM_004980.5).
Identifiers: ClinVar variation 678725 (VCV000678725.1), dbSNP rs72548727, ClinGen allele CA28900201.
Genomic context (GRCh38, chr1:111,780,417, plus strand): 5'-CTTCCCCTCTCCAGCTCCTTCATTTCTCCACTAAAGGTCAAAGGGCAATAGAATAATCAA[A>AT]TTTTTTTTTATTTGACCAAATTTCAGGGTCAGCATTGAATATGCTAACCTTTGGGCTCAG-3'

ClinVar aggregate classification (germline): Likely benign (1 of 4 stars; one submission).

Submission:

GeneDx
Classification: Likely benign. Last evaluated: 2018-06-19. Review status: criteria provided, single submitter. Criteria: GeneDx Variant Classification (06012015). Collection method: clinical testing. Allele origin: germline. Affected: yes.
Comment: This variant is considered likely benign or benign based on one or more of the following criteria: it is a conservative change, it occurs at a poorly conserved position in the protein, it is predicted to be benign by multiple in silico algorithms, and/or has population frequency not consistent with disease.